The following is an entry in ClinVar:

NM_001378609.3(OTOGL):c.4518C>T (p.Asp1506=)

Gene: OTOGL (otogelin like; plus strand). Cytogenetic location: 12q21.31.
Variant type: single nucleotide variant.
Coding change: c.4518C>T on transcript NM_001378609.3 (MANE Select); coding-DNA position 4518, C replaced by T.
Protein change: p.Asp1506=; no amino-acid change (aspartic acid 1506 retained).
Molecular consequence: synonymous variant.
Genome position (GRCh38, 1-based): chr12:80,336,058, C>T. VCF-style: chr12-80336058-C-T. GRCh37 (hg19) VCF-style: chr12-80729838-C-T.
Other names: c.4383C>T, p.Asp1461= (NM_001368062.3); c.4518C>T, p.Asp1506= (NM_001378610.3, NM_173591.7).
Identifiers: ClinVar variation 501577 (VCV000501577.14), dbSNP rs187941815, ClinGen allele CA6701411.

ClinVar aggregate classification (germline): Conflicting classifications of pathogenicity. Review status: criteria provided, conflicting classifications (1 of 4 stars). 5 submissions from 5 submitters: Uncertain significance (1); Likely benign (4). Last evaluated 2026-07-08.

Conditions:
OTOGL-related disorder. Also called: OTOGL-related condition.

Allele frequency attached by ClinVar (database versions not stated): gnomAD exomes 0.00003 and 0.00010; ESP Exome Variant Server 0.00008; ExAC 0.00012; TOPMed 0.00027; gnomAD 0.00029; 1000 Genomes Project 0.00040; 1000 Genomes Project 30x 0.00062.
gnomAD v4.1: 81 of 1,598,576 alleles (0.0051%); highest among the groups gnomAD compares: African/African-American, 0.081%; no homozygotes.

Submissions (5):

PreventionGenetics, part of Exact Sciences
Classification: Likely benign for OTOGL-related condition. Last evaluated: 2026-07-08. Review status: criteria provided, single submitter. Criteria: ACMG Guidelines, 2015. Collection method: clinical testing. Allele origin: germline.
Comment: This variant is classified as likely benign based on ACMG/AMP sequence variant interpretation guidelines (Richards et al. 2015 PMID: 25741868, with internal and published modifications).

Labcorp Genetics (formerly Invitae), Labcorp
Classification: Likely benign. Last evaluated: 2025-06-23. Review status: criteria provided, single submitter. Criteria: Invitae Variant Classification Sherloc (09022015). Collection method: clinical testing. Allele origin: germline.

Blueprint Genetics
Classification: Likely benign. Last evaluated: 2024-10-03. Review status: criteria provided, single submitter. Criteria: ACMG Guidelines, 2015. Collection method: clinical testing. Allele origin: germline.

GeneDx
Classification: Likely benign. Last evaluated: 2020-08-31. Review status: criteria provided, single submitter. Criteria: GeneDx Variant Classification Process June 2021. Collection method: clinical testing. Allele origin: germline. Affected: yes.

Eurofins Ntd Llc (ga)
Classification: Uncertain significance. Last evaluated: 2017-04-26. Review status: criteria provided, single submitter. Criteria: EGL Classification Definitions 2015. Collection method: clinical testing. Allele origin: germline. Observed: 2 variant alleles, 2 heterozygotes.